The following is an entry in ClinVar:

NM_001042492.3(NF1):c.4536G>A (p.Trp1512Ter)

Gene: NF1 (neurofibromin 1; plus strand). Cytogenetic location: 17q11.2.
Variant type: single nucleotide variant.
Coding change: c.4536G>A on transcript NM_001042492.3 (MANE Select); coding-DNA position 4536, G replaced by A.
Protein change: p.Trp1512Ter; replaces tryptophan 1512 with a stop codon.
Molecular consequence: nonsense.
Genome position (GRCh38, 1-based): chr17:31,260,474, G>A. VCF-style: chr17-31260474-G-A. GRCh37 (hg19) VCF-style: chr17-29587492-G-A.
Other names: c.4473G>A, p.Trp1491Ter (NM_000267.4); short protein forms W1512*, W1491*.
Identifiers: ClinVar variation 872183 (VCV000872183.50), dbSNP rs878853897, ClinGen allele CA398999737.

ClinVar aggregate classification (germline): Pathogenic. Review status: criteria provided, multiple submitters, no conflicts (2 of 4 stars). 9 submissions from 9 submitters: Pathogenic (7). 2 of the submissions do not count toward it. Last evaluated 2026-10-30.

Conditions:
NF1-related disorder. Also called: NF1-related condition. Identifiers: MedGen CN379171.
Neurofibromatosis, type 1 (NF1). Also called: Neurofibromatosis, type I; NEUROFIBROMATOSIS, TYPE I, SOMATIC; VON RECKLINGHAUSEN DISEASE; Peripheral type neurofibromatosis. Identifiers: Orphanet 636, MedGen C0027831, MONDO:0018975, OMIM 162200. Disease mechanism: loss of function.

Submissions (9):

Institute of Medical Genetics and Applied Genomics, University Hospital Tübingen
Classification: Pathogenic for Neurofibromatosis, type 1. Last evaluated: 2026-10-30. Review status: criteria provided, single submitter. Criteria: ACMG Guidelines, 2015. Collection method: clinical testing. Allele origin: germline. Inheritance: Autosomal dominant inheritance. Affected: yes.

GeneDx
Classification: Pathogenic. Last evaluated: 2024-11-12. Review status: criteria provided, single submitter. Criteria: GeneDx Variant Classification Process June 2021. Collection method: clinical testing. Allele origin: germline. Affected: yes.
Comment: Nonsense variant predicted to result in protein truncation or nonsense mediated decay in a gene for which loss of function is a known mechanism of disease; Not observed at significant frequency in large population cohorts (gnomAD); This variant is associated with the following publications: (PMID: 25525159, 10712197)

Blueprint Genetics
Classification: Pathogenic for NF1-related disorders. Last evaluated: 2024-07-23. Review status: criteria provided, single submitter. Criteria: ACMG Guidelines, 2015. Collection method: clinical testing. Allele origin: germline. Affected: yes. Observed: 1 variant allele.

Institute for Genomic Medicine (IGM) Clinical Laboratory, Nationwide Children's Hospital
Classification: Pathogenic for Neurofibromatosis, type 1. Last evaluated: 2024-02-12. Review status: criteria provided, single submitter. Criteria: ACMG Guidelines, 2015. Collection method: clinical testing. Allele origin: germline.
Comment: This variant is predicted to result in loss of function through nonsense-mediated decay of the encoded transcript or premature truncation of the encoded protein in a gene in which loss of function is a known mechanism of disease (ACMG/AMP: PVS1; PMIDs:10712197, 23913538). This variant has been reported at an elevated frequency in affected individuals/in multiple affected individuals in the literature (ACMG/AMP: PS4_Supporting; PMID:10712197). This variant is absent from or present at an exceedingly low frequency in gnomAD, a large-scale control population database (ACMG/AMP: PM2).

Labcorp Genetics (formerly Invitae), Labcorp
Classification: Pathogenic for Neurofibromatosis, type 1. Last evaluated: 2022-10-19. Review status: criteria provided, single submitter. Criteria: Invitae Variant Classification Sherloc (09022015). Collection method: clinical testing. Allele origin: germline.
Comment: This variant is not present in population databases (gnomAD no frequency). For these reasons, this variant has been classified as Pathogenic. ClinVar contains an entry for this variant (Variation ID: 872183). This premature translational stop signal has been observed in individual(s) with neurofibromatosis type 1 (PMID: 10712197). This sequence change creates a premature translational stop signal (p.Trp1491*) in the NF1 gene. It is expected to result in an absent or disrupted protein product. Loss-of-function variants in NF1 are known to be pathogenic (PMID: 10712197, 23913538).

Genome-Nilou Lab
Classification: Pathogenic for Neurofibromatosis, type 1. Last evaluated: 2022-03-15. Review status: criteria provided, single submitter. Criteria: ACMG Guidelines, 2015. Collection method: clinical testing. Allele origin: germline. Affected: no.

CeGaT Center for Human Genetics Tuebingen
Classification: Pathogenic. Last evaluated: 2019-11-01. Review status: criteria provided, single submitter. Criteria: CeGaT Center For Human Genetics Tuebingen Variant Classification Criteria Version 2. Collection method: clinical testing. Allele origin: germline. Affected: yes. Observed: 2 variant alleles.

Clinical Genetics DNA and cytogenetics Diagnostics Lab, Erasmus MC, Erasmus Medical Center
Classification: Pathogenic. Review status: no assertion criteria provided. Collection method: clinical testing. Allele origin: germline. Affected: yes. Study: VKGL Data-share Consensus. Not counted in ClinVar's aggregate classification.

Genome Diagnostics Laboratory, Amsterdam University Medical Center
Classification: Pathogenic. Review status: no assertion criteria provided. Collection method: clinical testing. Allele origin: germline. Affected: yes. Study: VKGL Data-share Consensus. Not counted in ClinVar's aggregate classification.

Literature cited by the submitters: PubMed 10712197 (cited by Institute for Genomic Medicine (IGM) Clinical Laboratory, Nationwide Children's Hospital and Labcorp Genetics (formerly Invitae), Labcorp); PubMed 23913538 (cited by Institute for Genomic Medicine (IGM) Clinical Laboratory, Nationwide Children's Hospital and Labcorp Genetics (formerly Invitae), Labcorp).